The following is an entry in ClinVar:

NM_005560.6(LAMA5):c.1050C>T (p.Ala350=)

Gene: LAMA5 (laminin subunit alpha 5; minus strand). Cytogenetic location: 20q13.33.
Variant type: single nucleotide variant.
Coding change: c.1050C>T on transcript NM_005560.6 (MANE Select); coding-DNA position 1050, C replaced by T.
Protein change: p.Ala350=; no amino-acid change (alanine 350 retained).
Molecular consequence: synonymous variant.
Genome position (GRCh38, 1-based): chr20:62,346,935, G>A on the plus strand (C>T on the coding strand, the complement: LAMA5 is on the minus strand). VCF-style: chr20-62346935-G-A. GRCh37 (hg19) VCF-style: chr20-60921991-G-A.
Identifiers: ClinVar variation 3031042 (VCV003031042.2), dbSNP rs189204052, ClinGen allele CA9944153.

ClinVar aggregate classification (germline): Likely benign (0 of 4 stars; one submission).

Conditions:
LAMA5-related disorder. Also called: LAMA5-Related Disorders; LAMA5-related condition.

Allele frequency attached by ClinVar (database versions not stated): TOPMed 0.00005; gnomAD exomes 0.00011; gnomAD 0.00019; 1000 Genomes Project 30x 0.00031; ExAC 0.00034; 1000 Genomes Project 0.00040.
gnomAD v4.1: 198 of 1,612,912 alleles (0.012%); highest among the groups gnomAD compares: Non-Finnish European, 0.0064%; 1 homozygote.

Submission:

PreventionGenetics, part of Exact Sciences
Classification: Likely benign for LAMA5-related condition. Last evaluated: 2020-12-21. Review status: no assertion criteria provided. Collection method: clinical testing. Allele origin: germline.
Comment: This variant is classified as likely benign based on ACMG/AMP sequence variant interpretation guidelines (Richards et al. 2015 PMID: 25741868, with internal and published modifications).